The following is an entry in ClinVar:

NM_000091.5(COL4A3):c.2374G>A (p.Gly792Arg)

Genes: COL4A3 (collagen type IV alpha 3 chain; plus strand), MFF-DT (MFF divergent transcript; minus strand). Cytogenetic location: 2q36.3.
Variant type: single nucleotide variant.
Coding change: c.2374G>A on transcript NM_000091.5 (MANE Select); coding-DNA position 2374, G replaced by A.
Protein change: p.Gly792Arg; replaces glycine 792 with arginine.
Molecular consequence: missense variant.
Genome position (GRCh38, 1-based): chr2:227,280,590, G>A. VCF-style: chr2-227280590-G-A. GRCh37 (hg19) VCF-style: chr2-228145306-G-A.
Other names: short protein forms G792R.
Identifiers: ClinVar variation 3391151 (VCV003391151.2).

ClinVar aggregate classification (germline): Pathogenic/Likely pathogenic. Review status: criteria provided, multiple submitters, no conflicts (2 of 4 stars). 2 submissions from 2 submitters: Pathogenic (1); Likely pathogenic (1). Last evaluated 2025-10-23.

Conditions:
Alport syndrome 3b, autosomal recessive. Identifiers: MedGen C5882699, MONDO:0957811, OMIM 620536.
Alport syndrome. Also called: Hemorrhagic familial nephritis; Hemorrhagic hereditary nephritis; Congenital hereditary hematuria. Identifiers: Orphanet 63, MedGen C1567741, MONDO:0018965.

Submissions (2):

Natera, Inc.
Classification: Likely pathogenic for Alport syndrome. Last evaluated: 2025-10-23. Review status: criteria provided, single submitter. Criteria: Natera Variant Classification Schema (03/2026). Collection method: clinical testing. Allele origin: germline.
Comment: The c.2374G>A variant in COL4A3 is a missense variant predicted to cause substitution of glycine to arginine at amino acid 792. This variant is rare in the general population with a frequency below the threshold expected for the associated phenotype(s). This variant is located in a functionally critical region of the protein. Computational prediction algorithms indicate this variant is likely to affect gene or protein function. Given the available evidence, this variant is classified as Likely Pathogenic.

Genomic Medicine Center of Excellence, King Faisal Specialist Hospital and Research Centre
Classification: Pathogenic for Alport syndrome 3b, autosomal recessive. Last evaluated: 2024-12-18. Review status: criteria provided, single submitter. Criteria: ACMG Guidelines, 2015. Collection method: clinical testing. Allele origin: germline.